The following is an entry in ClinVar:

ClinVar aggregate classification (germline): Uncertain significance. Review status: criteria provided, multiple submitters, no conflicts (2 of 4 stars). 3 submissions from 3 submitters: Uncertain significance (3). Last evaluated 2025-11-16.

Conditions:
Cardiovascular phenotype. Identifiers: MedGen CN230736.
Catecholaminergic polymorphic ventricular tachycardia 1. Also called: VENTRICULAR TACHYCARDIA, CATECHOLAMINERGIC POLYMORPHIC, 1, WITH OR WITHOUT ATRIAL DYSFUNCTION AND/OR DILATED CARDIOMYOPATHY; RYR2-Related Catecholaminergic Polymorphic Ventricular Tachycardia; VENTRICULAR TACHYCARDIA, STRESS-INDUCED POLYMORPHIC 1. Identifiers: Orphanet 3286, MedGen C1631597, MONDO:0011484, OMIM 604772.
Cardiomyopathy (CMYO). Also called: Cardiomyopathies. Identifiers: Orphanet 167848, MedGen C0878544, MONDO:0004994, HP:0001638. Inheritance: Various modes of inheritance.

Allele frequency attached by ClinVar (database versions not stated): gnomAD exomes below 0.00001; gnomAD 0.00001; ExAC 0.00002.
gnomAD v4.1: 2 of 1,612,798 alleles (0.00012%); highest among the groups gnomAD compares: East Asian, 0.0045%; no homozygotes.

Submissions (3):

Labcorp Genetics (formerly Invitae), Labcorp
Classification: Uncertain significance for Catecholaminergic polymorphic ventricular tachycardia 1. Last evaluated: 2025-11-16. Review status: criteria provided, single submitter. Criteria: Invitae Variant Classification Sherloc (09022015). Collection method: clinical testing. Allele origin: germline.
Comment: This sequence change replaces methionine, which is neutral and non-polar, with isoleucine, which is neutral and non-polar, at codon 4019 of the RYR2 protein (p.Met4019Ile). This variant is present in population databases (rs763668006, gnomAD 0.01%). This variant has not been reported in the literature in individuals affected with RYR2-related conditions. ClinVar contains an entry for this variant (Variation ID: 918630). Invitae Evidence Modeling of protein sequence and biophysical properties (such as structural, functional, and spatial information, amino acid conservation, physicochemical variation, residue mobility, and thermodynamic stability) indicates that this missense variant is not expected to disrupt RYR2 protein function with a negative predictive value of 95%. In summary, the available evidence is currently insufficient to determine the role of this variant in disease. Therefore, it has been classified as a Variant of Uncertain Significance.

Color Diagnostics, LLC DBA Color Health
Classification: Uncertain significance for Cardiomyopathy. Last evaluated: 2024-03-06. Review status: criteria provided, single submitter. Criteria: ACMG Guidelines, 2015. Collection method: clinical testing. Allele origin: germline.
Comment: This missense variant replaces methionine with isoleucine at codon 4019 of the RYR2 protein. Computational prediction tool is inconclusive regarding the impact of this variant on protein structure and function (internally defined REVEL score threshold 0.5 < inconclusive < 0.7, PMID: 27666373). To our knowledge, functional studies have not been performed for this variant. This variant has not been reported in individuals affected with cardiovascular disorders in the literature. This variant has been identified in 1/246906 chromosomes in the general population by the Genome Aggregation Database (gnomAD). The available evidence is insufficient to determine the role of this variant in disease conclusively. Therefore, this variant is classified as a Variant of Uncertain Significance.

Ambry Genetics
Classification: Uncertain significance for Cardiovascular phenotype. Last evaluated: 2021-12-22. Review status: criteria provided, single submitter. Criteria: Ambry Variant Classification Scheme 2023. Collection method: clinical testing. Allele origin: germline.
Comment: The p.M4019I variant (also known as c.12057G>A), located in coding exon 90 of the RYR2 gene, results from a G to A substitution at nucleotide position 12057. The methionine at codon 4019 is replaced by isoleucine, an amino acid with highly similar properties. This amino acid position is highly conserved in available vertebrate species. In addition, the in silico prediction for this alteration is inconclusive. Since supporting evidence is limited at this time, the clinical significance of this alteration remains unclear.

NM_001035.3(RYR2):c.12057G>A (p.Met4019Ile)

Gene: RYR2 (ryanodine receptor 2; plus strand). Cytogenetic location: 1q43.
Variant type: single nucleotide variant.
Coding change: c.12057G>A on transcript NM_001035.3 (MANE Select); coding-DNA position 12057, G replaced by A.
Protein change: p.Met4019Ile; replaces methionine 4019 with isoleucine.
Molecular consequence: missense variant.
Genome position (GRCh38, 1-based): chr1:237,783,769, G>A. VCF-style: chr1-237783769-G-A. GRCh37 (hg19) VCF-style: chr1-237947069-G-A.
Other names: c.12057G>A (NM_001035.2); short protein forms M4019I.
Identifiers: ClinVar variation 918630 (VCV000918630.15), dbSNP rs763668006, ClinGen allele CA085115.